The following is an entry in ClinVar:

ClinVar aggregate classification (germline): Uncertain significance (1 of 4 stars; one submission).

Conditions:
Cardiovascular phenotype. Identifiers: MedGen CN230736.

Submission:

Ambry Genetics
Classification: Uncertain significance for Cardiovascular phenotype. Last evaluated: 2025-08-24. Review status: criteria provided, single submitter. Criteria: Ambry Variant Classification Scheme 2023. Collection method: clinical testing. Allele origin: germline.
Comment: The p.P674S variant (also known as c.2020C>T), located in coding exon 5 of the ALPK3 gene, results from a C to T substitution at nucleotide position 2020. The proline at codon 674 is replaced by serine, an amino acid with similar properties. This amino acid position is conserved. In addition, this alteration is predicted to be tolerated by in silico analysis. Based on the available evidence, the clinical significance of this variant remains unclear.

NM_020778.5(ALPK3):c.1414C>T (p.Pro472Ser)

Gene: ALPK3 (alpha kinase 3; plus strand). Cytogenetic location: 15q25.3.
Variant type: single nucleotide variant.
Coding change: c.1414C>T on transcript NM_020778.5 (MANE Select); coding-DNA position 1414, C replaced by T.
Protein change: p.Pro472Ser; replaces proline 472 with serine.
Molecular consequence: missense variant.
Genome position (GRCh38, 1-based): chr15:84,840,693, C>T. VCF-style: chr15-84840693-C-T. GRCh37 (hg19) VCF-style: chr15-85383924-C-T.
Other names: short protein forms P472S.
Identifiers: ClinVar variation 4089148 (VCV004089148.1).
Genomic context (GRCh38, chr15:84,840,693, plus strand): 5'-CTCAGGGCTAGAAGCGAGGGGGTGCCTGGCGCTCCTGGCCAGCCCACACACTCCTTGACC[C>T]CCCAGCCGACTAGGCCTTTCAACAGAAAGAGATTTGCCCCTCCAAAGCCCAAAGGAGAGG-3'
Protein context (NP_065829.4, residues 462-482): APGQPTHSLT[Pro472Ser]QPTRPFNRKR